The following is an entry in ClinVar:

NM_000548.5(TSC2):c.4960G>A (p.Gly1654Ser)

Gene: TSC2 (TSC complex subunit 2; plus strand). Cytogenetic location: 16p13.3.
Variant type: single nucleotide variant.
Coding change: c.4960G>A on transcript NM_000548.5 (MANE Select); coding-DNA position 4960, G replaced by A.
Protein change: p.Gly1654Ser; replaces glycine 1654 with serine.
Molecular consequence: missense variant.
Genome position (GRCh38, 1-based): chr16:2,086,842, G>A. VCF-style: chr16-2086842-G-A. GRCh37 (hg19) VCF-style: chr16-2136843-G-A.
Other names: c.4759G>A, p.Gly1587Ser (NM_001077183.3); c.4891G>A, p.Gly1631Ser (NM_001114382.3); c.4651G>A, p.Gly1551Ser (NM_001318827.2); c.4615G>A, p.Gly1539Ser (NM_001318829.2); c.4228G>A, p.Gly1410Ser (NM_001318831.2); c.4792G>A, p.Gly1598Ser (NM_001318832.2); c.4762G>A, p.Gly1588Ser (NM_001363528.2); c.4828G>A, p.Gly1610Ser (NM_001370404.1); and 1 more; short protein forms G1654S, G1539S, G1598S, G1610S, G1551S, G1587S, G1588S, G1631S.
Identifiers: ClinVar variation 468123 (VCV000468123.20), dbSNP rs771911660, ClinGen allele CA053141.

ClinVar aggregate classification (germline): Likely benign. Review status: criteria provided, multiple submitters, no conflicts (2 of 4 stars). 4 submissions from 4 submitters: Likely benign (4). Last evaluated 2025-09-27.

Conditions:
Tuberous sclerosis 2 (TSC2). Identifiers: Orphanet 805, MedGen C1860707, MONDO:0013199, OMIM 613254.
Hereditary cancer-predisposing syndrome. Also called: Hereditary neoplastic syndrome; Neoplastic Syndromes, Hereditary; Tumor predisposition; Hereditary Cancer Syndrome. Identifiers: Orphanet 140162, MedGen C0027672, MeSH D009386, MONDO:0015356.

Allele frequency attached by ClinVar (database versions not stated): TOPMed 0.00001; ExAC 0.00003; gnomAD exomes 0.00003.
gnomAD v4.1: 26 of 1,603,256 alleles (0.0016%); highest among the groups gnomAD compares: South Asian, 0.0045%; no homozygotes.

Submissions (4):

Labcorp Genetics (formerly Invitae), Labcorp
Classification: Likely benign for Tuberous sclerosis 2. Last evaluated: 2025-09-27. Review status: criteria provided, single submitter. Criteria: Invitae Variant Classification Sherloc (09022015). Collection method: clinical testing. Allele origin: germline.

Ambry Genetics
Classification: Likely benign for Hereditary cancer-predisposing syndrome. Last evaluated: 2022-08-03. Review status: criteria provided, single submitter. Criteria: Ambry Variant Classification Scheme 2023. Collection method: clinical testing. Allele origin: germline.

Genome-Nilou Lab
Classification: Likely benign for Tuberous sclerosis 2. Last evaluated: 2021-11-07. Review status: criteria provided, single submitter. Criteria: ACMG Guidelines, 2015. Collection method: clinical testing. Allele origin: germline. Affected: no.

GeneDx
Classification: Likely benign. Last evaluated: 2020-05-19. Review status: criteria provided, single submitter. Criteria: GeneDx Variant Classification Process June 2021. Collection method: clinical testing. Allele origin: germline. Affected: yes.
Comment: In silico analysis supports that this missense variant has a deleterious effect on protein structure/function; Has not been previously published as pathogenic or benign to our knowledge